The following is an entry in ClinVar:

NM_001048174.2(MUTYH):c.998A>T (p.Lys333Met)

Gene: MUTYH (mutY DNA glycosylase; minus strand). Cytogenetic location: 1p34.1.
Variant type: single nucleotide variant.
Coding change: c.998A>T on transcript NM_001048174.2 (MANE Select); coding-DNA position 998, A replaced by T.
Protein change: p.Lys333Met; replaces lysine 333 with methionine.
Molecular consequence: missense variant. On other transcripts: non-coding transcript variant (7).
Genome position (GRCh38, 1-based): chr1:45,331,765, T>A on the plus strand (A>T on the coding strand, the complement: MUTYH is on the minus strand). VCF-style: chr1-45331765-T-A. GRCh37 (hg19) VCF-style: chr1-45797437-T-A.
Other names: c.1082A>T, p.Lys361Met (NM_001128425.2); c.1043A>T, p.Lys348Met (NM_001293190.2); c.1031A>T, p.Lys344Met (NM_001293191.2, NM_001407069.1, NM_001407077.1); c.722A>T, p.Lys241Met (NM_001293192.2, NM_001293196.2, NM_001407091.1); c.998A>T, p.Lys333Met (NM_001293195.2, NM_001407088.1, NM_001407089.1 and 6 more transcripts); c.653A>T, p.Lys218Met (NM_001350650.2, NM_001350651.2, NM_001407082.1); c.1040A>T, p.Lys347Met (NM_001407083.1, NM_001407085.1); c.1001A>T, p.Lys334Met (NM_001407086.1, NM_001048172.2, NM_001407071.1 and 1 more transcripts); and 5 more; short protein forms K340M, K348M, K361M, K218M, K320M, K333M, K344M, K241M.
Identifiers: ClinVar variation 4112992 (VCV004112992.1).

ClinVar aggregate classification (germline): Uncertain significance (1 of 4 stars; one submission).

Conditions:
Hereditary cancer-predisposing syndrome. Also called: Tumor predisposition; Neoplastic Syndromes, Hereditary; Hereditary neoplastic syndrome; Hereditary Cancer Syndrome. Identifiers: Orphanet 140162, MedGen C0027672, MeSH D009386, MONDO:0015356.

Submission:

Ambry Genetics
Classification: Uncertain significance for Hereditary cancer-predisposing syndrome. Last evaluated: 2025-08-27. Review status: criteria provided, single submitter. Criteria: Ambry Variant Classification Scheme 2023. Collection method: clinical testing. Allele origin: germline.
Comment: The p.K361M variant (also known as c.1082A>T), located in coding exon 12 of the MUTYH gene, results from an A to T substitution at nucleotide position 1082. The lysine at codon 361 is replaced by methionine, an amino acid with similar properties. This amino acid position is conserved. In addition, this alteration is predicted to be deleterious by in silico analysis. Based on the available evidence, the clinical significance of this variant remains unclear.